The following is an entry in ClinVar:

ClinVar aggregate classification (germline): Uncertain significance. Review status: criteria provided, multiple submitters, no conflicts (2 of 4 stars). 3 submissions from 3 submitters: Uncertain significance (3). Last evaluated 2026-07-02.

Conditions:
Catecholaminergic polymorphic ventricular tachycardia 1. Also called: VENTRICULAR TACHYCARDIA, CATECHOLAMINERGIC POLYMORPHIC, 1, WITH OR WITHOUT ATRIAL DYSFUNCTION AND/OR DILATED CARDIOMYOPATHY; VENTRICULAR TACHYCARDIA, STRESS-INDUCED POLYMORPHIC 1; RYR2-Related Catecholaminergic Polymorphic Ventricular Tachycardia. Identifiers: Orphanet 3286, MedGen C1631597, MONDO:0011484, OMIM 604772.
Cardiovascular phenotype. Identifiers: MedGen CN230736.

Allele frequency attached by ClinVar (database versions not stated): gnomAD exomes below 0.00001.
gnomAD v4.1: 1 of 1,613,970 alleles (0.000062%); highest among the groups gnomAD compares: Non-Finnish European, 0.000085%; no homozygotes.

Submissions (3):

Ambry Genetics
Classification: Uncertain significance for Cardiovascular phenotype. Last evaluated: 2026-07-02. Review status: criteria provided, single submitter. Criteria: Ambry Variant Classification Scheme 2023. Collection method: clinical testing. Allele origin: germline.
Comment: The p.G1116V variant (also known as c.3347G>T), located in coding exon 28 of the RYR2 gene, results from a G to T substitution at nucleotide position 3347. The glycine at codon 1116 is replaced by valine, an amino acid with dissimilar properties. This amino acid position is conserved. In addition, this alteration is predicted to be deleterious by in silico analysis. Based on the available evidence, the clinical significance of this variant remains unclear.

GeneDx
Classification: Uncertain significance. Last evaluated: 2025-02-10. Review status: criteria provided, single submitter. Criteria: GeneDx Variant Classification Process June 2021. Collection method: clinical testing. Allele origin: germline. Affected: yes.
Comment: Not observed at significant frequency in large population cohorts (gnomAD); In silico analysis supports that this missense variant has a deleterious effect on protein structure/function; Has not been previously published as pathogenic or benign to our knowledge; Not located in one of the three hot-spot regions of the RYR2 gene, where the majority of pathogenic missense variants occur (PMID: 19926015); This variant is associated with the following publications: (PMID: 19926015)

Labcorp Genetics (formerly Invitae), Labcorp
Classification: Uncertain significance for Catecholaminergic polymorphic ventricular tachycardia 1. Last evaluated: 2024-08-28. Review status: criteria provided, single submitter. Criteria: Invitae Variant Classification Sherloc (09022015). Collection method: clinical testing. Allele origin: germline.
Comment: This sequence change replaces glycine, which is neutral and non-polar, with valine, which is neutral and non-polar, at codon 1116 of the RYR2 protein (p.Gly1116Val). This variant is not present in population databases (gnomAD no frequency). This variant has not been reported in the literature in individuals affected with RYR2-related conditions. Invitae Evidence Modeling of protein sequence and biophysical properties (such as structural, functional, and spatial information, amino acid conservation, physicochemical variation, residue mobility, and thermodynamic stability) indicates that this missense variant is expected to disrupt RYR2 protein function with a positive predictive value of 95%. In summary, the available evidence is currently insufficient to determine the role of this variant in disease. Therefore, it has been classified as a Variant of Uncertain Significance.

NM_001035.3(RYR2):c.3347G>T (p.Gly1116Val)

Gene: RYR2 (ryanodine receptor 2; plus strand). Cytogenetic location: 1q43.
Variant type: single nucleotide variant.
Coding change: c.3347G>T on transcript NM_001035.3 (MANE Select); coding-DNA position 3347, G replaced by T.
Protein change: p.Gly1116Val; replaces glycine 1116 with valine.
Molecular consequence: missense variant.
Genome position (GRCh38, 1-based): chr1:237,566,699, G>T. VCF-style: chr1-237566699-G-T. GRCh37 (hg19) VCF-style: chr1-237729999-G-T.
Other names: c.3347G>T (NM_001035.2); short protein forms G1116V.
Identifiers: ClinVar variation 2915863 (VCV002915863.5), dbSNP rs2546425500, ClinGen allele CA345398544.